The following is an entry in ClinVar:

ClinVar aggregate classification (germline): Benign. Review status: reviewed by expert panel (3 of 4 stars). 3 submissions from 3 submitters: Benign (1). 2 of the submissions do not count toward it. Last evaluated 2015-01-12.

Conditions:
Breast-ovarian cancer, familial, susceptibility to, 2 (BROVCA2). Also called: BRCA2 Hereditary Breast and Ovarian Cancer. Identifiers: Orphanet 145, MedGen C2675520, MONDO:0012933, OMIM 612555. Disease mechanism: loss of function.

Allele frequency attached by ClinVar (database versions not stated): 1000 Genomes Project 0.00719; 1000 Genomes Project 30x 0.00781; TOPMed 0.01344; gnomAD 0.01560 and 0.01597.
gnomAD v4.1: 2,361 of 152,146 alleles (1.6%); highest among the groups gnomAD compares: Non-Finnish European, 2.3%; 30 homozygotes.

Submissions (3):

Evidence-based Network for the Interpretation of Germline Mutant Alleles (ENIGMA)
Classification: Benign for Breast-ovarian cancer, familial 2. Last evaluated: 2015-01-12. Review status: reviewed by expert panel. Criteria: ENIGMA BRCA1/2 Classification Criteria (2015). Collection method: curation. Allele origin: germline.
Comment: Class 1 not pathogenic based on frequency >1% in an outbred sampleset. Frequency 0.02243 (European), derived from 1000 genomes (2012-04-30).

GeneDx
Classification: Likely benign. Last evaluated: 2018-07-09. Review status: criteria provided, single submitter. Criteria: GeneDx Variant Classification Process June 2021. Collection method: clinical testing. Allele origin: germline. Affected: yes. Not counted in ClinVar's aggregate classification.

Breakthrough Genomics
Classification: Benign. Review status: criteria provided, single submitter. Criteria: ACMG Guidelines, 2015. Collection method: not provided. Allele origin: germline. Inheritance: Autosomal recessive inheritance. Affected: yes. Not counted in ClinVar's aggregate classification.

NM_000059.4(BRCA2):c.316+262G>A

Gene: BRCA2 (BRCA2 DNA repair associated; plus strand). Cytogenetic location: 13q13.1.
Variant type: single nucleotide variant.
Coding change: c.316+262G>A on transcript NM_000059.4 (MANE Select); 262 bases into the intron after coding-DNA position 316, G replaced by A.
Molecular consequence: intron variant.
Genome position (GRCh38, 1-based): chr13:32,319,587, G>A. VCF-style: chr13-32319587-G-A. GRCh37 (hg19) VCF-style: chr13-32893724-G-A.
Other names: IVS 3+262G>A.
Identifiers: ClinVar variation 209619 (VCV000209619.5), dbSNP rs117573552, ClinGen allele CA276588.